The following is an entry in ClinVar:

ClinVar aggregate classification (germline): Uncertain significance (1 of 4 stars; one submission).

Allele frequency attached by ClinVar (database versions not stated): TOPMed 0.00001; gnomAD 0.00002; gnomAD exomes 0.00002.
gnomAD v4.1: 24 of 1,603,242 alleles (0.0015%); highest among the groups gnomAD compares: Non-Finnish European, 0.002%; no homozygotes.

Submission:

Labcorp Genetics (formerly Invitae), Labcorp
Classification: Uncertain significance. Last evaluated: 2023-12-22. Review status: criteria provided, single submitter. Criteria: Invitae Variant Classification Sherloc (09022015). Collection method: clinical testing. Allele origin: germline.
Comment: This sequence change replaces alanine, which is neutral and non-polar, with threonine, which is neutral and polar, at codon 216 of the LTBP2 protein (p.Ala216Thr). This variant is not present in population databases (gnomAD no frequency). This variant has not been reported in the literature in individuals affected with LTBP2-related conditions. ClinVar contains an entry for this variant (Variation ID: 2414228). Algorithms developed to predict the effect of missense changes on protein structure and function output the following: SIFT: "Not Available"; PolyPhen-2: "Benign"; Align-GVGD: "Not Available". The threonine amino acid residue is found in multiple mammalian species, which suggests that this missense change does not adversely affect protein function. In summary, the available evidence is currently insufficient to determine the role of this variant in disease. Therefore, it has been classified as a Variant of Uncertain Significance.

NM_000428.3(LTBP2):c.646G>A (p.Ala216Thr)

Gene: LTBP2 (latent transforming growth factor beta binding protein 2; minus strand). Cytogenetic location: 14q24.3.
Variant type: single nucleotide variant.
Coding change: c.646G>A on transcript NM_000428.3 (MANE Select); coding-DNA position 646, G replaced by A.
Protein change: p.Ala216Thr; replaces alanine 216 with threonine.
Molecular consequence: missense variant.
Genome position (GRCh38, 1-based): chr14:74,586,038, C>T on the plus strand (G>A on the coding strand, the complement: LTBP2 is on the minus strand). VCF-style: chr14-74586038-C-T. GRCh37 (hg19) VCF-style: chr14-75052741-C-T.
Other names: short protein forms A216T.
Identifiers: ClinVar variation 2414228 (VCV002414228.2), dbSNP rs774729288, ClinGen allele CA263588754.
Genomic context (GRCh38, chr14:74,586,038, plus strand): 5'-GTGCCAGCCTGGAGTTCTGGGGGTCAAATTCCTCATCGGGAATGACCTCCTCGCAGCGGG[C>T]TCCACGGAAACCAGAGCGGCAGACACAGAGCTGCGGGCGGCTGCAGGAGCCCCGGTTCTG-3'
Protein context (NP_000419.1, residues 206-226): LCVCRSGFRG[Ala216Thr]RCEEVIPDEE